The following is an entry in ClinVar:

NM_016013.4(NDUFAF1):c.536G>C (p.Arg179Pro)

Gene: NDUFAF1 (NADH:ubiquinone oxidoreductase complex assembly factor 1; minus strand). Cytogenetic location: 15q15.1.
Variant type: single nucleotide variant.
Coding change: c.536G>C on transcript NM_016013.4 (MANE Select); coding-DNA position 536, G replaced by C.
Protein change: p.Arg179Pro; replaces arginine 179 with proline.
Molecular consequence: missense variant. On other transcripts: non-coding transcript variant (1).
Genome position (GRCh38, 1-based): chr15:41,396,524, C>G on the plus strand (G>C on the coding strand, the complement: NDUFAF1 is on the minus strand). VCF-style: chr15-41396524-C-G. GRCh37 (hg19) VCF-style: chr15-41688722-C-G.
Other names: short protein forms R179P.
Identifiers: ClinVar variation 3403858 (VCV003403858.4).

ClinVar aggregate classification (germline): Uncertain significance. Review status: criteria provided, multiple submitters, no conflicts (2 of 4 stars). 3 submissions from 3 submitters: Uncertain significance (3). Last evaluated 2025-12-26.

gnomAD v4.1: 5 of 1,614,060 alleles (0.00031%); highest among the groups gnomAD compares: Non-Finnish European, 0.00042%; no homozygotes.

Submissions (3):

Labcorp Genetics (formerly Invitae), Labcorp
Classification: Uncertain significance. Last evaluated: 2025-12-26. Review status: criteria provided, single submitter. Criteria: Invitae Variant Classification Sherloc (09022015). Collection method: clinical testing. Allele origin: germline.
Comment: This sequence change replaces arginine, which is basic and polar, with proline, which is neutral and non-polar, at codon 179 of the NDUFAF1 protein (p.Arg179Pro). This variant is present in population databases (no rsID available, gnomAD 0.002%). This variant has not been reported in the literature in individuals affected with NDUFAF1-related conditions. ClinVar contains an entry for this variant (Variation ID: 3403858). Invitae Evidence Modeling of protein sequence and biophysical properties (such as structural, functional, and spatial information, amino acid conservation, physicochemical variation, residue mobility, and thermodynamic stability) indicates that this missense variant is not expected to disrupt NDUFAF1 protein function with a negative predictive value of 80%. In summary, the available evidence is currently insufficient to determine the role of this variant in disease. Therefore, it has been classified as a Variant of Uncertain Significance.

GeneDx
Classification: Uncertain significance. Last evaluated: 2024-08-30. Review status: criteria provided, single submitter. Criteria: GeneDx Variant Classification Process June 2021. Collection method: clinical testing. Allele origin: germline. Affected: yes.
Comment: Not observed at significant frequency in large population cohorts (gnomAD); In silico analysis supports that this missense variant has a deleterious effect on protein structure/function; Has not been previously published as pathogenic or benign to our knowledge

Ambry Genetics
Classification: Uncertain significance. Last evaluated: 2024-08-14. Review status: criteria provided, single submitter. Criteria: Ambry Variant Classification Scheme 2023. Collection method: clinical testing. Allele origin: germline.